The following is an entry in ClinVar:

NM_004370.6(COL12A1):c.3741C>T (p.Pro1247=)

Gene: COL12A1 (collagen type XII alpha 1 chain; minus strand). Cytogenetic location: 6q13.
Variant type: single nucleotide variant.
Coding change: c.3741C>T on transcript NM_004370.6 (MANE Select); coding-DNA position 3741, C replaced by T.
Protein change: p.Pro1247=; no amino-acid change (proline 1247 retained).
Molecular consequence: synonymous variant.
Genome position (GRCh38, 1-based): chr6:75,152,225, G>A on the plus strand (C>T on the coding strand, the complement: COL12A1 is on the minus strand). VCF-style: chr6-75152225-G-A. GRCh37 (hg19) VCF-style: chr6-75861941-G-A.
Other names: c.249C>T, p.Pro83= (NM_080645.3).
Identifiers: ClinVar variation 707327 (VCV000707327.12), dbSNP rs371282637, ClinGen allele CA3893629.
Genomic context (GRCh38, chr6:75,152,225, plus strand): 5'-TGCCACAGCTTGCAACAAGCTCTTCTTGTCTCTGTGTGCATTTAACTGCCACTCTGTTCT[G>A]GGATCCCCACTATACTGAGCAAGAGCTAAAATGACACCACTGGCATTAGTGCATGTGAAA-3'
Protein context (NP_004361.3, residues 1237-1257): QIALAQYSGD[Pro1247=]RTEWQLNAHR

ClinVar aggregate classification (germline): Likely benign. Review status: criteria provided, multiple submitters, no conflicts (2 of 4 stars). 2 submissions from 2 submitters: Likely benign (2). Last evaluated 2026-01-20.

Conditions:
Ullrich congenital muscular dystrophy 2 (UCMD2). Identifiers: Orphanet 75840, MedGen C4225314, MONDO:0014654, OMIM 616470.
Bethlem myopathy 2 (BTHLM2). Identifiers: Orphanet 536516, Orphanet 610, MedGen C4225313, MONDO:0034022, OMIM 616471.

Allele frequency attached by ClinVar (database versions not stated): gnomAD 0.00005 and 0.00004; ExAC 0.00007; gnomAD exomes 0.00005; ESP Exome Variant Server 0.00008; TOPMed 0.00005.
gnomAD v4.1: 120 of 1,613,692 alleles (0.0074%); highest among the groups gnomAD compares: Non-Finnish European, 0.0097%; no homozygotes.

Submissions (2):

Labcorp Genetics (formerly Invitae), Labcorp
Classification: Likely benign for Bethlem myopathy 2; Ullrich congenital muscular dystrophy 2. Last evaluated: 2026-01-20. Review status: criteria provided, single submitter. Criteria: Invitae Variant Classification Sherloc (09022015). Collection method: clinical testing. Allele origin: germline.

GeneDx
Classification: Likely benign. Last evaluated: 2021-06-08. Review status: criteria provided, single submitter. Criteria: GeneDx Variant Classification Process June 2021. Collection method: clinical testing. Allele origin: germline. Affected: yes.
Comment: This variant is associated with the following publications: (PMID: 27535533, 26582918)